The following is an entry in ClinVar:

ClinVar aggregate classification (germline): Likely pathogenic (1 of 4 stars; one submission).

Submission:

Labcorp Genetics (formerly Invitae), Labcorp
Classification: Likely pathogenic. Last evaluated: 2023-04-02. Review status: criteria provided, single submitter. Criteria: Invitae Variant Classification Sherloc (09022015). Collection method: clinical testing. Allele origin: germline.
Comment: In summary, the currently available evidence indicates that the variant is pathogenic, but additional data are needed to prove that conclusively. Therefore, this variant has been classified as Likely Pathogenic. This variant disrupts the p.Leu1940 amino acid residue in ABCA4. Other variant(s) that disrupt this residue have been determined to be pathogenic (PMID: 19074458, 29925512, 32845050). This suggests that this residue is clinically significant, and that variants that disrupt this residue are likely to be disease-causing. Advanced modeling of protein sequence and biophysical properties (such as structural, functional, and spatial information, amino acid conservation, physicochemical variation, residue mobility, and thermodynamic stability) performed at Invitae indicates that this missense variant is expected to disrupt ABCA4 protein function. This variant has not been reported in the literature in individuals affected with ABCA4-related conditions. This variant is not present in population databases (gnomAD no frequency). This sequence change replaces leucine, which is neutral and non-polar, with glutamine, which is neutral and polar, at codon 1940 of the ABCA4 protein (p.Leu1940Gln).

Literature cited by the submitters: PubMed 19074458; PubMed 29925512; PubMed 32845050.

NM_000350.3(ABCA4):c.5819T>A (p.Leu1940Gln)

Gene: ABCA4 (ATP binding cassette subfamily A member 4; minus strand). Cytogenetic location: 1p22.1.
Variant type: single nucleotide variant.
Coding change: c.5819T>A on transcript NM_000350.3 (MANE Select); coding-DNA position 5819, T replaced by A.
Protein change: p.Leu1940Gln; replaces leucine 1940 with glutamine.
Molecular consequence: missense variant.
Genome position (GRCh38, 1-based): chr1:94,008,767, A>T on the plus strand (T>A on the coding strand, the complement: ABCA4 is on the minus strand). VCF-style: chr1-94008767-A-T. GRCh37 (hg19) VCF-style: chr1-94474323-A-T.
Other names: c.5597T>A, p.Leu1866Gln (NM_001425324.1); short protein forms L1940Q, L1866Q.
Identifiers: ClinVar variation 2851584 (VCV002851584.3), dbSNP rs61753033, ClinGen allele CA341280145.